The following is an entry in ClinVar:

NM_002471.4(MYH6):c.297C>T (p.Pro99=)

Genes: MYH6 (myosin heavy chain 6; minus strand), LOC114827851 (VISTA enhancer hs2155; plus strand). Cytogenetic location: 14q11.2.
Variant type: single nucleotide variant.
Coding change: c.297C>T on transcript NM_002471.4 (MANE Select); coding-DNA position 297, C replaced by T.
Protein change: p.Pro99=; no amino-acid change (proline 99 retained).
Molecular consequence: synonymous variant.
Genome position (GRCh38, 1-based): chr14:23,405,675, G>A on the plus strand (C>T on the coding strand, the complement: MYH6 is on the minus strand). VCF-style: chr14-23405675-G-A. GRCh37 (hg19) VCF-style: chr14-23874884-G-A.
Identifiers: ClinVar variation 227586 (VCV000227586.15), dbSNP rs751088892, ClinGen allele CA7116213.
Genomic context (GRCh38, chr14:23,405,675, plus strand): 5'-GGAGCCACTCACATATATCATCCAGGCCGCGTAGCGCTCCTTGAGGTTGAAAAGCACCGC[G>A]GGCTCGTGCAGGAAGGTCAGCATGGCCATGTCCTCAATCTTGTCGAACTTGGGTGGGTTC-3'
Protein context (NP_002462.2, residues 89-109): DMAMLTFLHE[Pro99=]AVLFNLKERY

ClinVar aggregate classification (germline): Likely benign. Review status: criteria provided, multiple submitters, no conflicts (2 of 4 stars). 4 submissions from 4 submitters: Likely benign (4). Last evaluated 2026-02-04.

Conditions:
MYH6-related disorder. Also called: MYH6-Related Disorders; MYH6-related condition.
Cardiovascular phenotype. Identifiers: MedGen CN230736.
Hypertrophic cardiomyopathy 14. Identifiers: MedGen C2750467, MONDO:0013197, OMIM 613251.

Allele frequency attached by ClinVar (database versions not stated): gnomAD exomes 0.00002 and 0.00004; ExAC 0.00003; TOPMed 0.00003.
gnomAD v4.1: 27 of 1,614,166 alleles (0.0017%); highest among the groups gnomAD compares: Admixed American, 0.017%; no homozygotes.

Submissions (4):

PreventionGenetics, part of Exact Sciences
Classification: Likely benign for MYH6-related condition. Last evaluated: 2026-02-04. Review status: criteria provided, single submitter. Criteria: ACMG Guidelines, 2015. Collection method: clinical testing. Allele origin: germline.
Comment: This variant is classified as likely benign based on ACMG/AMP sequence variant interpretation guidelines (Richards et al. 2015 PMID: 25741868, with internal and published modifications).

Labcorp Genetics (formerly Invitae), Labcorp
Classification: Likely benign for Hypertrophic cardiomyopathy 14. Last evaluated: 2024-04-29. Review status: criteria provided, single submitter. Criteria: Invitae Variant Classification Sherloc (09022015). Collection method: clinical testing. Allele origin: germline.

Ambry Genetics
Classification: Likely benign for Cardiovascular phenotype. Last evaluated: 2019-05-08. Review status: criteria provided, single submitter. Criteria: Ambry Variant Classification Scheme 2023. Collection method: clinical testing. Allele origin: germline.

Laboratory for Molecular Medicine, Mass General Brigham Personalized Medicine
Classification: Likely benign. Last evaluated: 2015-11-12. Review status: criteria provided, single submitter. Criteria: LMM Criteria. Collection method: clinical testing. Allele origin: germline. Observed: 1 variant allele.
Comment: p.Pro99Pro in exon 4 of MYH6: This variant is not expected to have clinical sign ificance because it does not alter an amino acid residue and is not located with in the splice consensus sequence. It has been identified in 3/11572 Latino chrom osomes by the Exome Aggregation Consortium (ExAC ; dbSNP rs751088892).